The following is an entry in ClinVar:

NM_001267550.2(TTN):c.44281+2dup

Gene: TTN (titin; minus strand). Cytogenetic location: 2q31.2.
Variant type: Duplication.
Coding change: c.44281+2dup on transcript NM_001267550.2 (MANE Select); the canonical splice donor site of the intron after coding-DNA position 44281, one base duplicated (T; older notation c.44281+2dupT).
Molecular consequence: splice donor variant.
Genome position (GRCh38, 1-based): chr2:178,630,239, A duplicated on the plus strand (T on the coding strand, the reverse complement: TTN is on the minus strand). VCF-style (leftmost placement, unchanged base first): chr2-178630238-T-TA. GRCh37 (hg19) VCF-style: chr2-179494965-T-TA.
Other names: c.17086+2dupT (NM_003319.4); c.17086+2dup (NM_003319.4); c.17662+2dup (NM_133437.4); c.17461+2dup (NM_133432.3); c.36577+2dup (NM_133378.4); c.39358+2dup (NM_001256850.1); c.44281+2dupT (NM_001267550.2).
Identifiers: ClinVar variation 642030 (VCV000642030.11), dbSNP rs773570018, ClinGen allele CA1995703.

ClinVar aggregate classification (germline): Uncertain significance. Review status: criteria provided, multiple submitters, no conflicts (2 of 4 stars). 3 submissions from 3 submitters: Uncertain significance (2). 1 of the submissions does not count toward it. Last evaluated 2026-03-20.

Conditions:
Cardiovascular phenotype. Identifiers: MedGen CN230736.
Dilated cardiomyopathy 1G (CMD1G). Identifiers: Orphanet 154, MedGen C1858763, MONDO:0011400, OMIM 604145.
Autosomal recessive limb-girdle muscular dystrophy type 2J (LGMDR10). Also called: Limb-girdle muscular dystrophy, type 2J; MUSCULAR DYSTROPHY, LIMB-GIRDLE, AUTOSOMAL RECESSIVE 10. Identifiers: Orphanet 140922, MedGen C1837342, MONDO:0012127, OMIM 608807.

Allele frequency attached by ClinVar (database versions not stated): ExAC 0.00001; gnomAD exomes below 0.00001.

Submissions (3):

Ambry Genetics
Classification: Uncertain significance for Cardiovascular phenotype. Last evaluated: 2026-03-20. Review status: criteria provided, single submitter. Criteria: Ambry Variant Classification Scheme 2023. Collection method: clinical testing. Allele origin: germline.
Comment: The c.17086+2dupT intronic variant is located 2 nucleotide(s) after coding exon 66 in the TTN gene. This variant results from a duplication of 1 nucleotide at position c.17086+2. This variant does not change the sequence of the canonical donor at this splice site. This variant was reported in individual(s) with features consistent with dilated cardiomyopathy (Ambry internal data). This nucleotide position is highly conserved in available vertebrate species. In silico splice site analysis predicts that this alteration may weaken the native splice donor site. Based on the available evidence, the clinical significance of this variant remains unclear.

Labcorp Genetics (formerly Invitae), Labcorp
Classification: Uncertain significance for Dilated cardiomyopathy 1G; Autosomal recessive limb-girdle muscular dystrophy type 2J. Last evaluated: 2025-05-01. Review status: criteria provided, single submitter. Criteria: Invitae Variant Classification Sherloc (09022015). Collection method: clinical testing. Allele origin: germline.
Comment: This sequence change falls in intron 239 of the TTN gene. It does not directly change the encoded amino acid sequence of the TTN protein. It affects a nucleotide within the consensus splice site. This variant is present in population databases (rs773570018, gnomAD 0.003%). This variant has not been reported in the literature in individuals affected with TTN-related conditions. ClinVar contains an entry for this variant (Variation ID: 642030). Variants that disrupt the consensus splice site are a relatively common cause of aberrant splicing (PMID: 17576681, 9536098). Algorithms developed to predict the effect of sequence changes on RNA splicing suggest that this variant may disrupt the consensus splice site. This variant is located in the I band of TTN (PMID: 25589632). Non-truncating variants in this region may be clinically relevant, but have not been definitively shown to cause cardiomyopathy or neuromuscular disease (PMID: 27493940, 32778822). In summary, the available evidence is currently insufficient to determine the role of this variant in disease. Therefore, it has been classified as a Variant of Uncertain Significance.

Cardiogenetics and Myogenetics Molecular and Cellular Functional Unit, Aphp Sorbonne University-Hopital Pitie Salpetriere
Classification: Likely pathogenic for Dilated cardiomyopathy 1G. Last evaluated: 2024-01-06. Review status: no assertion criteria provided. Collection method: clinical testing. Allele origin: germline. Affected: yes. Not counted in ClinVar's aggregate classification.

Literature cited by the submitters: PubMed 17576681 (cited by Labcorp Genetics (formerly Invitae), Labcorp); PubMed 9536098 (cited by Labcorp Genetics (formerly Invitae), Labcorp); PubMed 25589632 (cited by Labcorp Genetics (formerly Invitae), Labcorp); PubMed 27493940 (cited by Labcorp Genetics (formerly Invitae), Labcorp); PubMed 32778822 (cited by Labcorp Genetics (formerly Invitae), Labcorp).